The following is an entry in ClinVar:

ClinVar aggregate classification (germline): Conflicting classifications of pathogenicity. Review status: criteria provided, conflicting classifications (1 of 4 stars). 7 submissions from 7 submitters: Uncertain significance (5); Likely benign (2). Last evaluated 2026-03-26.

Conditions:
Inborn genetic diseases. Identifiers: MedGen C0950123, MeSH D030342.
KIDINS220-related disorder. Also called: KIDINS220-related condition.

Allele frequency attached by ClinVar (database versions not stated): 1000 Genomes Project 30x 0.00016; gnomAD exomes 0.00016; ExAC 0.00017; ESP Exome Variant Server 0.00017; 1000 Genomes Project 0.00020; gnomAD 0.00042; TOPMed 0.00045.
gnomAD v4.1: 318 of 1,613,630 alleles (0.02%); highest among the groups gnomAD compares: Middle Eastern, 0.12%; 3 homozygotes.

Submissions (7):

PreventionGenetics, part of Exact Sciences
Classification: Uncertain significance for KIDINS220-related condition. Last evaluated: 2026-03-26. Review status: criteria provided, single submitter. Criteria: ACMG Guidelines, 2015. Collection method: clinical testing. Allele origin: germline.
Comment: The KIDINS220 c.361G>C variant is predicted to result in the amino acid substitution p.Glu121Gln. To our knowledge, this variant has not been reported in the literature. This variant is reported in 0.075% of alleles in individuals of African descent in gnomAD, which is likely too common for an undocumented disease-causing variant. Although we suspect that this variant may be benign, at this time, the clinical significance of this variant is uncertain due to the absence of conclusive functional and genetic evidence.

Labcorp Genetics (formerly Invitae), Labcorp
Classification: Uncertain significance. Last evaluated: 2025-11-24. Review status: criteria provided, single submitter. Criteria: Invitae Variant Classification Sherloc (09022015). Collection method: clinical testing. Allele origin: germline.
Comment: This sequence change replaces glutamic acid, which is acidic and polar, with glutamine, which is neutral and polar, at codon 121 of the KIDINS220 protein (p.Glu121Gln). This variant is present in population databases (rs181372484, gnomAD 0.08%). This variant has not been reported in the literature in individuals affected with KIDINS220-related conditions. ClinVar contains an entry for this variant (Variation ID: 1505950). An algorithm developed to predict the effect of missense changes on protein structure and function outputs the following: PolyPhen-2: "Benign". The glutamine amino acid residue is found in multiple mammalian species, which suggests that this missense change does not adversely affect protein function. In summary, the available evidence is currently insufficient to determine the role of this variant in disease. Therefore, it has been classified as a Variant of Uncertain Significance.

Blueprint Genetics
Classification: Likely benign. Last evaluated: 2024-11-21. Review status: criteria provided, single submitter. Criteria: ACMG Guidelines, 2015. Collection method: clinical testing. Allele origin: germline.

Revvity Omics, Revvity
Classification: Uncertain significance. Last evaluated: 2024-02-23. Review status: criteria provided, single submitter. Criteria: ACMG Guidelines, 2015. Collection method: clinical testing. Allele origin: germline.

GeneDx
Classification: Uncertain significance. Last evaluated: 2023-04-16. Review status: criteria provided, single submitter. Criteria: GeneDx Variant Classification Process June 2021. Collection method: clinical testing. Allele origin: germline. Affected: yes.
Comment: In silico analysis supports that this missense variant does not alter protein structure/function; Has not been previously published as pathogenic or benign to our knowledge

Ambry Genetics
Classification: Likely benign for Inborn genetic diseases. Last evaluated: 2022-11-30. Review status: criteria provided, single submitter. Criteria: Ambry Variant Classification Scheme 2023. Collection method: clinical testing. Allele origin: germline.

Breakthrough Genomics
Classification: Uncertain significance. Review status: criteria provided, single submitter. Criteria: ACMG Guidelines, 2015. Collection method: not provided. Allele origin: germline. Inheritance: Autosomal recessive inheritance. Affected: yes.

NM_020738.4(KIDINS220):c.361G>C (p.Glu121Gln)

Gene: KIDINS220 (kinase D interacting substrate 220; minus strand). Cytogenetic location: 2p25.1.
Variant type: single nucleotide variant.
Coding change: c.361G>C on transcript NM_020738.4 (MANE Select); coding-DNA position 361, G replaced by C.
Protein change: p.Glu121Gln; replaces glutamic acid 121 with glutamine.
Molecular consequence: missense variant. On other transcripts: non-coding transcript variant (2).
Genome position (GRCh38, 1-based): chr2:8,813,281, C>G on the plus strand (G>C on the coding strand, the complement: KIDINS220 is on the minus strand). VCF-style: chr2-8813281-C-G. GRCh37 (hg19) VCF-style: chr2-8953411-C-G.
Other names: c.361G>C (NM_020738.2); c.361G>C, p.Glu121Gln (NM_001348729.2, NM_001348731.2, NM_001348732.2 and 9 more transcripts); c.235G>C, p.Glu79Gln (NM_001348736.2); short protein forms E121Q, E79Q.
Identifiers: ClinVar variation 1505950 (VCV001505950.16), dbSNP rs181372484, ClinGen allele CA1520449.